The following is an entry in ClinVar:

NM_153490.3(KRT13):c.449G>A (p.Arg150Gln)

Gene: KRT13 (keratin 13; minus strand). Cytogenetic location: 17q21.2.
Variant type: single nucleotide variant.
Coding change: c.449G>A on transcript NM_153490.3 (MANE Select); coding-DNA position 449, G replaced by A.
Protein change: p.Arg150Gln; replaces arginine 150 with glutamine.
Molecular consequence: missense variant.
Genome position (GRCh38, 1-based): chr17:41,505,102, C>T on the plus strand (G>A on the coding strand, the complement: KRT13 is on the minus strand). VCF-style: chr17-41505102-C-T. GRCh37 (hg19) VCF-style: chr17-39661354-C-T.
Other names: c.449G>A, p.Arg150Gln (NM_002274.4); short protein forms R150Q.
Identifiers: ClinVar variation 323100 (VCV000323100.5), dbSNP rs548070268, ClinGen allele CA8560792.

ClinVar aggregate classification (germline): Benign (1 of 4 stars; one submission).

Conditions:
White sponge nevus 2 (WSN2). Identifiers: MedGen C4014321, MONDO:0014346, OMIM 615785.

Allele frequency attached by ClinVar (database versions not stated): gnomAD 0.00001 and 0.00017; TOPMed 0.00003; ExAC 0.00040; 1000 Genomes Project 30x 0.00156; 1000 Genomes Project 0.00200.
gnomAD v4.1: 306 of 1,614,214 alleles (0.019%); highest among the groups gnomAD compares: South Asian, 0.3%; 2 homozygotes.

Submission:

Illumina Laboratory Services, Illumina
Classification: Benign for White sponge nevus 2. Last evaluated: 2018-01-13. Review status: criteria provided, single submitter. Criteria: ICSL Variant Classification Criteria 13 December 2019. Collection method: clinical testing. Allele origin: germline.
Comment: This variant was observed in the ICSL laboratory as part of a predisposition screen in an ostensibly healthy population. It had not been previously curated by ICSL or reported in the Human Gene Mutation Database (HGMD: prior to June 1st, 2018), and was therefore a candidate for classification through an automated scoring system. Utilizing variant allele frequency, disease prevalence and penetrance estimates, and inheritance mode, an automated score was calculated to assess if this variant is too frequent to cause the disease. Based on the score and internal cut-off values, a variant classified as benign is not then subjected to further curation. The score for this variant resulted in a classification of benign for this disease.